The following is an entry in ClinVar:

ClinVar aggregate classification (germline): Conflicting classifications of pathogenicity. Review status: criteria provided, conflicting classifications (1 of 4 stars). 4 submissions from 4 submitters: Uncertain significance (3); Likely benign (1). Last evaluated 2024-09-17.

Conditions:
Hereditary cancer-predisposing syndrome. Also called: Tumor predisposition; Hereditary neoplastic syndrome; Hereditary Cancer Syndrome; Neoplastic Syndromes, Hereditary. Identifiers: Orphanet 140162, MedGen C0027672, MeSH D009386, MONDO:0015356.
Hereditary breast ovarian cancer syndrome. Also called: BRCA1- and BRCA2-Associated Hereditary Breast and Ovarian Cancer; Hereditary breast and ovarian cancer; Hereditary breast and/or ovarian cancer syndrome; Hereditary breast and ovarian cancer syndrome; Hereditary breast and ovarian cancer syndrome (HBOC); Breast and ovarian cancer. Identifiers: Orphanet 145, MedGen C0677776, MeSH D061325, MONDO:0003582. Disease mechanism: loss of function.

Allele frequency attached by ClinVar (database versions not stated): gnomAD exomes below 0.00001.
gnomAD v4.1: 6 of 1,613,896 alleles (0.00037%); highest among the groups gnomAD compares: Non-Finnish European, 0.00051%; no homozygotes.

Submissions (4):

Labcorp Genetics (formerly Invitae), Labcorp
Classification: Uncertain significance for Hereditary breast ovarian cancer syndrome. Last evaluated: 2024-09-17. Review status: criteria provided, single submitter. Criteria: Invitae Variant Classification Sherloc (09022015). Collection method: clinical testing. Allele origin: germline.
Comment: This sequence change replaces leucine, which is neutral and non-polar, with phenylalanine, which is neutral and non-polar, at codon 769 of the BRCA2 protein (p.Leu769Phe). This variant is not present in population databases (gnomAD no frequency). This variant has not been reported in the literature in individuals affected with BRCA2-related conditions. ClinVar contains an entry for this variant (Variation ID: 963286). Invitae Evidence Modeling of protein sequence and biophysical properties (such as structural, functional, and spatial information, amino acid conservation, physicochemical variation, residue mobility, and thermodynamic stability) indicates that this missense variant is not expected to disrupt BRCA2 protein function with a negative predictive value of 95%. In summary, the available evidence is currently insufficient to determine the role of this variant in disease. Therefore, it has been classified as a Variant of Uncertain Significance.

University of Washington Department of Laboratory Medicine, University of Washington
Classification: Likely benign for Hereditary cancer-predisposing syndrome. Last evaluated: 2023-03-23. Review status: criteria provided, single submitter. Criteria: Dines et al. (Genet Med. 2020). Collection method: curation. Allele origin: germline.
Comment: Missense variant in a coldspot region where missense variants are very unlikely to be pathogenic (PMID:31911673).

BRCA2 exon 11 coldspot. Reclassification based on statistical prior probability.

Quest Diagnostics Nichols Institute San Juan Capistrano
Classification: Uncertain significance. Last evaluated: 2023-02-06. Review status: criteria provided, single submitter. Criteria: Quest Diagnostics criteria. Collection method: clinical testing. Allele origin: unknown.
Comment: The variant has not been reported in the published literature. It also has not been reported in large, multi-ethnic general populations. Analysis of this variant using bioinformatics tools for the prediction of the effect of amino acid changes on protein structure and function yielded predictions that this variant is benign. Based on the available information, we are unable to determine the clinical significance of this variant.

Ambry Genetics
Classification: Uncertain significance for Hereditary cancer-predisposing syndrome. Last evaluated: 2022-12-26. Review status: criteria provided, single submitter. Criteria: Ambry Variant Classification Scheme 2023. Collection method: clinical testing. Allele origin: germline.
Comment: The p.L769F variant (also known as c.2305C>T), located in coding exon 10 of the BRCA2 gene, results from a C to T substitution at nucleotide position 2305. The leucine at codon 769 is replaced by phenylalanine, an amino acid with highly similar properties. This amino acid position is not well conserved in available vertebrate species. In addition, this alteration is predicted to be tolerated by in silico analysis. Since supporting evidence is limited at this time, the clinical significance of this alteration remains unclear.

NM_000059.4(BRCA2):c.2305C>T (p.Leu769Phe)

Gene: BRCA2 (BRCA2 DNA repair associated; plus strand). Cytogenetic location: 13q13.1.
Variant type: single nucleotide variant.
Coding change: c.2305C>T on transcript NM_000059.4 (MANE Select); coding-DNA position 2305, C replaced by T.
Protein change: p.Leu769Phe; replaces leucine 769 with phenylalanine.
Molecular consequence: missense variant.
Genome position (GRCh38, 1-based): chr13:32,336,660, C>T. VCF-style: chr13-32336660-C-T. GRCh37 (hg19) VCF-style: chr13-32910797-C-T.
Other names: short protein forms L769F.
Identifiers: ClinVar variation 963286 (VCV000963286.15), dbSNP rs2072454785, ClinGen allele CA387771348.
Genomic context (GRCh38, chr13:32,336,660, plus strand): 5'-AGTGATACTGACTTTCAATCCCAGAAAAGTCTTTTATATGATCATGAAAATGCCAGCACT[C>T]TTATTTTAACTCCTACTTCCAAGGATGTTCTGTCAAACCTAGTCATGATTTCTAGAGGCA-3'
Protein context (NP_000050.3, residues 759-779): LLYDHENAST[Leu769Phe]ILTPTSKDVL